The following is an entry in ClinVar:

NM_024334.3(TMEM43):c.-6C>T

Gene: TMEM43 (transmembrane protein 43; plus strand). Cytogenetic location: 3p25.1.
Variant type: single nucleotide variant.
Coding change: c.-6C>T on transcript NM_024334.3 (MANE Select); 6 bases upstream of the start codon, C replaced by T.
Molecular consequence: 5 prime UTR variant.
Genome position (GRCh38, 1-based): chr3:14,125,188, C>T. VCF-style: chr3-14125188-C-T. GRCh37 (hg19) VCF-style: chr3-14166688-C-T.
Identifiers: ClinVar variation 619948 (VCV000619948.3), dbSNP rs1281893880, ClinGen allele CA541295604.

ClinVar aggregate classification (germline): Conflicting classifications of pathogenicity. Review status: criteria provided, conflicting classifications (1 of 4 stars). 3 submissions from 3 submitters: Uncertain significance (1); Likely benign (2). Last evaluated 2023-03-09.

Conditions:
Cardiomyopathy (CMYO). Also called: Cardiomyopathies. Identifiers: Orphanet 167848, MedGen C0878544, MONDO:0004994, HP:0001638. Inheritance: Various modes of inheritance.
Arrhythmogenic right ventricular dysplasia 5. Also called: Arrhythmogenic Right Ventricular Dysplasia/Cardiomyopathy 5; ARRHYTHMOGENIC RIGHT VENTRICULAR DYSPLASIA, FAMILIAL, 5. Identifiers: MedGen C1858379, MONDO:0011459, OMIM 604400.
Hypertrophic cardiomyopathy. Also called: HYPERTROPHIC MYOCARDIOPATHY. Identifiers: Orphanet 217569, MedGen C0007194, MeSH D002312, MONDO:0005045, HP:0001639.

Allele frequency attached by ClinVar (database versions not stated): gnomAD exomes below 0.00001.

Submissions (3):

All of Us Research Program, National Institutes of Health
Classification: Likely benign for Arrhythmogenic right ventricular dysplasia 5. Last evaluated: 2023-03-09. Review status: criteria provided, single submitter. Criteria: ACMG Guidelines, 2015. Collection method: clinical testing. Allele origin: germline. Inheritance: Autosomal dominant inheritance. Observed: 1 variant allele, 1 heterozygote.
Comment: This study involves interpretation of variants in research participants for the purpose of population health screening. Participant phenotype was not available at the time of variant classification. Additional details can be found in publication PMID: 35346344, PMCID: PMC8962531

Color Diagnostics, LLC DBA Color Health
Classification: Likely benign for Cardiomyopathy. Last evaluated: 2023-03-01. Review status: criteria provided, single submitter. Criteria: ACMG Guidelines, 2015. Collection method: clinical testing. Allele origin: germline.

Clinical Molecular Genetics Laboratory, Johns Hopkins All Children's Hospital
Classification: Uncertain significance for Hypertrophic cardiomyopathy. Last evaluated: 2019-03-01. Review status: criteria provided, single submitter. Criteria: ACMG Guidelines, 2015. Collection method: clinical testing. Allele origin: germline. Inheritance: Autosomal dominant inheritance. Affected: yes. Observed: 1 heterozygote.